The following is an entry in ClinVar:

NM_014967.5(FAN1):c.434G>T (p.Arg145Leu)

Gene: FAN1 (FANCD2 and FANCI associated nuclease 1; plus strand). Cytogenetic location: 15q13.3.
Variant type: single nucleotide variant.
Coding change: c.434G>T on transcript NM_014967.5 (MANE Select); coding-DNA position 434, G replaced by T.
Protein change: p.Arg145Leu; replaces arginine 145 with leucine.
Molecular consequence: missense variant.
Genome position (GRCh38, 1-based): chr15:30,905,097, G>T. VCF-style: chr15-30905097-G-T. GRCh37 (hg19) VCF-style: chr15-31197300-G-T.
Other names: c.434G>T, p.Arg145Leu (NM_001146094.2, NM_001146095.1, NM_001146096.2); short protein forms R145L.
Identifiers: ClinVar variation 4752103 (VCV004752103.1).
Genomic context (GRCh38, chr15:30,905,097, plus strand): 5'-TCAGTCCCTACTTTAAAAGTAATGATGTGGTGTGCAAAAATCAAGATGAGCTGAGAAATC[G>T]TAGTGTGAAAGTCATTTGTTTGGGAAGCCTAGCATCTAAATTGTCCAGAAAATACGTAAA-3'
Protein context (NP_055782.3, residues 135-155): VCKNQDELRN[Arg145Leu]SVKVICLGSL

ClinVar aggregate classification (germline): Uncertain significance (1 of 4 stars; one submission).

gnomAD v4.1: 50 of 1,613,870 alleles (0.0031%); highest among the groups gnomAD compares: African/African-American, 0.051%; no homozygotes.

Submission:

Labcorp Genetics (formerly Invitae), Labcorp
Classification: Uncertain significance. Last evaluated: 2025-11-11. Review status: criteria provided, single submitter. Criteria: Invitae Variant Classification Sherloc (09022015). Collection method: clinical testing. Allele origin: germline.
Comment: This sequence change replaces arginine, which is basic and polar, with leucine, which is neutral and non-polar, at codon 145 of the FAN1 protein (p.Arg145Leu). This variant is present in population databases (rs146408181, gnomAD 0.05%). This variant has not been reported in the literature in individuals affected with FAN1-related conditions. An algorithm developed to predict the effect of missense changes on protein structure and function (PolyPhen-2) suggests that this variant is likely to be tolerated. In summary, the available evidence is currently insufficient to determine the role of this variant in disease. Therefore, it has been classified as a Variant of Uncertain Significance.